The following is an entry in ClinVar:

ClinVar aggregate classification (germline): Likely pathogenic. Review status: reviewed by expert panel (3 of 4 stars). 2 submissions from 2 submitters: Likely pathogenic (1). 1 of the submissions does not count toward it. Last evaluated 2026-04-29.

Conditions:
Autosomal recessive limb-girdle muscular dystrophy. Identifiers: Orphanet 102015, MedGen C2931907, MONDO:0015152.
Autosomal recessive limb-girdle muscular dystrophy type 2D (LGMDR3). Also called: DUCHENNE-LIKE AUTOSOMAL RECESSIVE MUSCULAR DYSTROPHY, TYPE 2; MUSCULAR DYSTROPHY, LIMB-GIRDLE, AUTOSOMAL RECESSIVE 3; ADHALINOPATHY, PRIMARY. Identifiers: Orphanet 62, MedGen C2936332, MONDO:0011968, OMIM 608099. Disease mechanism: Affects gamma-sarcoglycan and also disrupts the integrity of the entire sarcoglycan complex..

Submissions (2):

ClinGen Limb Girdle Muscular Dystrophy Variant Curation Expert Panel, ClinGen
Classification: Likely pathogenic for Autosomal recessive limb-girdle muscular dystrophy. Last evaluated: 2026-04-29. Review status: reviewed by expert panel. Criteria: ClinGen LGMD VCEP ACMG Specifications SGCA V2.0.0. Collection method: curation. Allele origin: germline. Inheritance: Autosomal recessive inheritance.
Comment: The NM_000023.4: c.203G>A variant in SGCA is a missense variant predicted to cause substitution of glycine by glutamic acid at amino acid 68, p.(Gly68Glu). This variant has been detected in at least two individuals with limb-girdle muscular dystrophy, where it was reported in unconfirmed phase with pathogenic variant in both cases (c.229C>T p.(Arg77Cys), 0.5 pts, PMID: 7663524; c.739G>A p.(Val247Met), 0.5 pts, GRASP-LGMD Consortium internal data communication) (PM3). At least one of these patients displayed progressive limb girdle muscle weakness and reduced alpha-sarcoglycan protein expression, which is highly specific for SGCA-related LGMD; however, the absence of variants in other sarcoglycan genes was not confirmed (PP4; PMID: 7663524). This variant is absent from gnomAD v4.1.1 (PM2_Supporting). In vitro assay in an heterologous cell system has demonstrated that this variant disrupts membrane localization of the sarcoglycan complex (PS3_Moderate, Washington University internal data). The computational predictor REVEL gives a score of 0.774, which is above the threshold of 0.7, evidence that correlates with impact to SGCA function (PP3). In summary, this variant meets the criteria to be classified as Likely Pathogenic for autosomal recessive limb girdle muscular dystrophy based on the ACMG/AMP criteria applied, as specified by the ClinGen LGMD VCEP (LGMD VCEP specifications version 2.0.0; 04/29/2026): PM3, PP4, PM2_Supporting, PS3_Moderate, PP3.

Labcorp Genetics (formerly Invitae), Labcorp
Classification: Pathogenic for Autosomal recessive limb-girdle muscular dystrophy type 2D. Last evaluated: 2023-08-21. Review status: criteria provided, single submitter. Criteria: Invitae Variant Classification Sherloc (09022015). Collection method: clinical testing. Allele origin: germline. Not counted in ClinVar's aggregate classification.
Comment: For these reasons, this variant has been classified as Pathogenic. Advanced modeling of protein sequence and biophysical properties (such as structural, functional, and spatial information, amino acid conservation, physicochemical variation, residue mobility, and thermodynamic stability) performed at Invitae indicates that this missense variant is expected to disrupt SGCA protein function. ClinVar contains an entry for this variant (Variation ID: 1052453). This missense change has been observed in individual(s) with clinical features of SGCA-related conditions (PMID: 7663524; Invitae). In at least one individual the data is consistent with being in trans (on the opposite chromosome) from a pathogenic variant. This variant is not present in population databases (gnomAD no frequency). This sequence change replaces glycine, which is neutral and non-polar, with glutamic acid, which is acidic and polar, at codon 68 of the SGCA protein (p.Gly68Glu).

Literature cited by the submitters: PubMed 7663524 (cited by Labcorp Genetics (formerly Invitae), Labcorp).

NM_000023.4(SGCA):c.203G>A (p.Gly68Glu)

Gene: SGCA (sarcoglycan alpha; plus strand). Cytogenetic location: 17q21.33.
Variant type: single nucleotide variant.
Coding change: c.203G>A on transcript NM_000023.4 (MANE Select); coding-DNA position 203, G replaced by A.
Protein change: p.Gly68Glu; replaces glycine 68 with glutamic acid.
Molecular consequence: missense variant. On other transcripts: non-coding transcript variant (1).
Genome position (GRCh38, 1-based): chr17:50,167,627, G>A. VCF-style: chr17-50167627-G-A. GRCh37 (hg19) VCF-style: chr17-48244988-G-A.
Other names: NM_000023.4(SGCA):c.203G>A; p.Gly68Glu; c.203G>A, p.Gly68Glu (NM_001135697.3); short protein forms G68E.
Identifiers: ClinVar variation 1052453 (VCV001052453.10), dbSNP rs2144494148, ClinGen allele CA400177350.